The following is an entry in ClinVar:

NM_182706.5(SCRIB):c.3828C>T (p.Ser1276=)

Gene: SCRIB (scribble planar cell polarity protein; minus strand). Cytogenetic location: 8q24.3.
Variant type: single nucleotide variant.
Coding change: c.3828C>T on transcript NM_182706.5 (MANE Select); coding-DNA position 3828, C replaced by T.
Protein change: p.Ser1276=; no amino-acid change (serine 1276 retained).
Molecular consequence: synonymous variant.
Genome position (GRCh38, 1-based): chr8:143,795,056, G>A on the plus strand (C>T on the coding strand, the complement: SCRIB is on the minus strand). VCF-style: chr8-143795056-G-A. GRCh37 (hg19) VCF-style: chr8-144877226-G-A.
Other names: c.3828C>T, p.Ser1276= (NM_015356.5); c.3828C>T (NM_182706.4).
Identifiers: ClinVar variation 2658912 (VCV002658912.26), dbSNP rs149307154, ClinGen allele CA4918502.

ClinVar aggregate classification (germline): Likely benign. Review status: criteria provided, multiple submitters, no conflicts (2 of 4 stars). 3 submissions from 3 submitters: Likely benign (2). 1 of the submissions does not count toward it. Last evaluated 2024-11-21.

Conditions:
SCRIB-related disorder. Also called: SCRIB-related condition.

Allele frequency attached by ClinVar (database versions not stated): TOPMed 0.00026; gnomAD 0.00030; 1000 Genomes Project 30x 0.00031; 1000 Genomes Project 0.00040; ESP Exome Variant Server 0.00046; ExAC 0.00052.
gnomAD v4.1: 820 of 1,611,050 alleles (0.051%); highest among the groups gnomAD compares: East Asian, 0.65%; 2 homozygotes.

Submissions (3):

Blueprint Genetics
Classification: Likely benign. Last evaluated: 2024-11-21. Review status: criteria provided, single submitter. Criteria: ACMG Guidelines, 2015. Collection method: clinical testing. Allele origin: germline.

CeGaT Center for Human Genetics Tuebingen
Classification: Likely benign. Last evaluated: 2022-03-01. Review status: criteria provided, single submitter. Criteria: CeGaT Center For Human Genetics Tuebingen Variant Classification Criteria Version 2. Collection method: clinical testing. Allele origin: germline. Affected: yes. Observed: 1 variant allele.
Comment: SCRIB: BP4, BP7

PreventionGenetics, part of Exact Sciences
Classification: Likely benign for SCRIB-related condition. Last evaluated: 2019-05-28. Review status: no assertion criteria provided. Collection method: clinical testing. Allele origin: germline. Not counted in ClinVar's aggregate classification.
Comment: This variant is classified as likely benign based on ACMG/AMP sequence variant interpretation guidelines (Richards et al. 2015 PMID: 25741868, with internal and published modifications).